The following is an entry in ClinVar:

NM_001134363.3(RBM20):c.3603C>G (p.Gly1201=)

Gene: RBM20 (RNA binding motif protein 20; plus strand). Cytogenetic location: 10q25.2.
Variant type: single nucleotide variant.
Coding change: c.3603C>G on transcript NM_001134363.3 (MANE Select); coding-DNA position 3603, C replaced by G.
Protein change: p.Gly1201=; no amino-acid change (glycine 1201 retained).
Molecular consequence: synonymous variant.
Genome position (GRCh38, 1-based): chr10:110,835,897, C>G. VCF-style: chr10-110835897-C-G. GRCh37 (hg19) VCF-style: chr10-112595655-C-G.
Identifiers: ClinVar variation 44014 (VCV000044014.15), dbSNP rs397516617, ClinGen allele CA133378.

ClinVar aggregate classification (germline): Likely benign. Review status: criteria provided, multiple submitters, no conflicts (2 of 4 stars). 4 submissions from 4 submitters: Likely benign (4). Last evaluated 2025-12-19.

Conditions:
Cardiovascular phenotype. Identifiers: MedGen CN230736.
Dilated cardiomyopathy 1DD (CMD1DD). Identifiers: Orphanet 154, MedGen C2750995, MONDO:0013168, OMIM 613172.

Allele frequency attached by ClinVar (database versions not stated): gnomAD exomes 0.00001 and 0.00002; gnomAD 0.00002; TOPMed 0.00002.
gnomAD v4.1: 16 of 1,548,692 alleles (0.001%); highest among the groups gnomAD compares: African/African-American, 0.0027%; no homozygotes.

Submissions (4):

Labcorp Genetics (formerly Invitae), Labcorp
Classification: Likely benign for Dilated cardiomyopathy 1DD. Last evaluated: 2025-12-19. Review status: criteria provided, single submitter. Criteria: Invitae Variant Classification Sherloc (09022015). Collection method: clinical testing. Allele origin: germline.

Women's Health and Genetics/Laboratory Corporation of America, LabCorp
Classification: Likely benign. Last evaluated: 2025-11-17. Review status: criteria provided, single submitter. Criteria: LabCorp Variant Classification Summary - May 2015. Collection method: clinical testing. Allele origin: germline.

Ambry Genetics
Classification: Likely benign for Cardiovascular phenotype. Last evaluated: 2025-05-06. Review status: criteria provided, single submitter. Criteria: Ambry Variant Classification Scheme 2023. Collection method: clinical testing. Allele origin: germline.

Laboratory for Molecular Medicine, Mass General Brigham Personalized Medicine
Classification: Likely benign. Last evaluated: 2012-11-30. Review status: criteria provided, single submitter. Criteria: LMM Criteria. Collection method: clinical testing. Allele origin: germline. Observed: 1 variant allele.
Comment: Gly1201Gly in exon 14 of RBM20: This variant is not expected to have clinical si gnificance because it does not alter an amino acid residue and is not located wi thin the splice consensus sequence. Gly1201Gly in exon 14 of RBM20 (allele fre quency = n/a)